The following is an entry in ClinVar:

ClinVar aggregate classification (germline): Uncertain significance. Review status: criteria provided, multiple submitters, no conflicts (2 of 4 stars). 2 submissions from 2 submitters: Uncertain significance (2). Last evaluated 2026-01-05.

Allele frequency attached by ClinVar (database versions not stated): ExAC 0.00001; gnomAD exomes 0.00001; TOPMed 0.00015.
gnomAD v4.1: 22 of 1,607,452 alleles (0.0014%); highest among the groups gnomAD compares: Admixed American, 0.02%; no homozygotes.

Submissions (2):

Labcorp Genetics (formerly Invitae), Labcorp
Classification: Uncertain significance. Last evaluated: 2026-01-05. Review status: criteria provided, single submitter. Criteria: Invitae Variant Classification Sherloc (09022015). Collection method: clinical testing. Allele origin: germline.
Comment: This sequence change replaces threonine, which is neutral and polar, with methionine, which is neutral and non-polar, at codon 342 of the DVL1 protein (p.Thr342Met). This variant is present in population databases (rs758202266, gnomAD 0.006%). This variant has not been reported in the literature in individuals affected with DVL1-related conditions. ClinVar contains an entry for this variant (Variation ID: 1440255). Invitae Evidence Modeling of protein sequence and biophysical properties (such as structural, functional, and spatial information, amino acid conservation, physicochemical variation, residue mobility, and thermodynamic stability) indicates that this missense variant is not expected to disrupt DVL1 protein function with a negative predictive value of 80%. In summary, the available evidence is currently insufficient to determine the role of this variant in disease. Therefore, it has been classified as a Variant of Uncertain Significance.

Blueprint Genetics
Classification: Uncertain significance. Last evaluated: 2023-01-19. Review status: criteria provided, single submitter. Criteria: ACMG Guidelines, 2015. Collection method: clinical testing. Allele origin: germline.

NM_001330311.2(DVL1):c.1025C>T (p.Thr342Met)

Gene: DVL1 (dishevelled segment polarity protein 1; minus strand). Cytogenetic location: 1p36.33.
Variant type: single nucleotide variant.
Coding change: c.1025C>T on transcript NM_001330311.2 (MANE Select); coding-DNA position 1025, C replaced by T.
Protein change: p.Thr342Met; replaces threonine 342 with methionine.
Molecular consequence: missense variant.
Genome position (GRCh38, 1-based): chr1:1,339,611, G>A on the plus strand (C>T on the coding strand, the complement: DVL1 is on the minus strand). VCF-style: chr1-1339611-G-A. GRCh37 (hg19) VCF-style: chr1-1274991-G-A.
Other names: c.1025C>T, p.Thr342Met (NM_004421.3); short protein forms T342M.
Identifiers: ClinVar variation 1440255 (VCV001440255.6), dbSNP rs758202266, ClinGen allele CA520273.